The following is an entry in ClinVar:

ClinVar aggregate classification (germline): Uncertain significance. Review status: criteria provided, multiple submitters, no conflicts (2 of 4 stars). 2 submissions from 2 submitters: Uncertain significance (2). Last evaluated 2025-03-17.

Conditions:
Inborn genetic diseases. Identifiers: MedGen C0950123, MeSH D030342.

Submissions (2):

Labcorp Genetics (formerly Invitae), Labcorp
Classification: Uncertain significance. Last evaluated: 2025-03-17. Review status: criteria provided, single submitter. Criteria: Invitae Variant Classification Sherloc (09022015). Collection method: clinical testing. Allele origin: germline.
Comment: This sequence change replaces asparagine, which is neutral and polar, with tyrosine, which is neutral and polar, at codon 825 of the PLK4 protein (p.Asn825Tyr). This variant is not present in population databases (gnomAD no frequency). This variant has not been reported in the literature in individuals affected with PLK4-related conditions. ClinVar contains an entry for this variant (Variation ID: 956180). An algorithm developed to predict the effect of missense changes on protein structure and function (PolyPhen-2) suggests that this variant is likely to be tolerated. In summary, the available evidence is currently insufficient to determine the role of this variant in disease. Therefore, it has been classified as a Variant of Uncertain Significance.

Ambry Genetics
Classification: Uncertain significance for Inborn genetic diseases. Last evaluated: 2023-03-06. Review status: criteria provided, single submitter. Criteria: Ambry Variant Classification Scheme 2023. Collection method: clinical testing. Allele origin: germline.

NM_014264.5(PLK4):c.2473A>T (p.Asn825Tyr)

Gene: PLK4 (polo like kinase 4; plus strand). Cytogenetic location: 4q28.1.
Variant type: single nucleotide variant.
Coding change: c.2473A>T on transcript NM_014264.5 (MANE Select); coding-DNA position 2473, A replaced by T.
Protein change: p.Asn825Tyr; replaces asparagine 825 with tyrosine.
Molecular consequence: missense variant.
Genome position (GRCh38, 1-based): chr4:127,893,792, A>T. VCF-style: chr4-127893792-A-T. GRCh37 (hg19) VCF-style: chr4-128814947-A-T.
Other names: c.2377A>T, p.Asn793Tyr (NM_001190799.2); c.2350A>T, p.Asn784Tyr (NM_001190801.2); short protein forms N784Y, N793Y, N825Y.
Identifiers: ClinVar variation 956180 (VCV000956180.8), dbSNP rs752410378, ClinGen allele CA105641917.